The following is an entry in ClinVar:

ClinVar aggregate classification (germline): Pathogenic. Review status: criteria provided, single submitter (1 of 4 stars). 2 submissions from 2 submitters: Pathogenic (1). 1 of the submissions does not count toward it. Last evaluated 2026-01-04.

Conditions:
Sialuria. Also called: SIALURIA, FRENCH TYPE; Sialic Acid Storage Disease. Identifiers: Orphanet 3166, MedGen C0342853, MONDO:0010028, OMIM 269921.
GNE myopathy (NM). Also called: IBM 2; Inclusion body myopathy autosomal recessive; Inclusion body myopathy quadriceps sparing; NONAKA DISTAL MYOPATHY; INCLUSION BODY MYOPATHY, HEREDITARY, AUTOSOMAL RECESSIVE; INCLUSION BODY MYOPATHY 2, AUTOSOMAL RECESSIVE. Identifiers: Orphanet 602, MedGen C1853926, MONDO:0011603, OMIM 605820.

Allele frequency attached by ClinVar (database versions not stated): TOPMed below 0.00001; gnomAD 0.00001.
gnomAD v4.1: 3 of 1,614,054 alleles (0.00019%); highest among the groups gnomAD compares: African/African-American, 0.004%; no homozygotes.

Submissions (2):

Labcorp Genetics (formerly Invitae), Labcorp
Classification: Pathogenic for Sialuria; GNE myopathy. Last evaluated: 2026-01-04. Review status: criteria provided, single submitter. Criteria: Invitae Variant Classification Sherloc (09022015). Collection method: clinical testing. Allele origin: germline.
Comment: This sequence change creates a premature translational stop signal (p.Ser222*) in the GNE gene. It is expected to result in an absent or disrupted protein product. Loss-of-function variants in GNE are known to be pathogenic (PMID: 24027297). This variant is not present in population databases (gnomAD no frequency). This variant has not been reported in the literature in individuals affected with GNE-related conditions. ClinVar contains an entry for this variant (Variation ID: 551056). For these reasons, this variant has been classified as Pathogenic.

Counsyl
Classification: Likely pathogenic for GNE myopathy. Last evaluated: 2017-03-23. Review status: no assertion criteria provided. Collection method: clinical testing. Allele origin: unknown. Not counted in ClinVar's aggregate classification.

Literature cited by the submitters: PubMed 24027297 (cited by Labcorp Genetics (formerly Invitae), Labcorp).

NM_005476.7(GNE):c.572C>G (p.Ser191Ter)

Gene: GNE (glucosamine (UDP-N-acetyl)-2-epimerase/N-acetylmannosamine kinase; minus strand). Cytogenetic location: 9p13.3.
Variant type: single nucleotide variant.
Coding change: c.572C>G on transcript NM_005476.7 (MANE Select); coding-DNA position 572, C replaced by G.
Protein change: p.Ser191Ter; replaces serine 191 with a stop codon.
Molecular consequence: nonsense.
Genome position (GRCh38, 1-based): chr9:36,246,075, G>C on the plus strand (C>G on the coding strand, the complement: GNE is on the minus strand). VCF-style: chr9-36246075-G-C. GRCh37 (hg19) VCF-style: chr9-36246072-G-C.
Other names: c.665C>G, p.Ser222Ter (NM_001128227.3); c.572C>G, p.Ser191Ter (NM_001190383.3, NM_001374797.1); c.395C>G, p.Ser132Ter (NM_001190384.3, NM_001190388.2, NM_001374798.1); short protein forms S191*, S222*, S132*.
Identifiers: ClinVar variation 551056 (VCV000551056.3), dbSNP rs1357906793, ClinGen allele CA373418085.